The following is an entry in ClinVar:

NM_001386140.1(MTTP):c.103_127del (p.Lys35fs)

Gene: MTTP (microsomal triglyceride transfer protein; plus strand). Cytogenetic location: 4q23.
Variant type: Deletion.
Coding change: c.103_127del on transcript NM_001386140.1 (MANE Select); coding-DNA positions 103 to 127, 25 bases deleted (AAGCTCACGTACTCCACTGAAGTTC).
Protein change: p.Lys35fs; shifts the reading frame from lysine 35.
Molecular consequence: frameshift variant. On other transcripts: 5 prime UTR variant (1).
Genome position (GRCh38, 1-based): chr4:99,581,946-99,581,970, AAGCTCACGTACTCCACTGAAGTTC deleted; deleting any 25 consecutive bases within chr4:99,581,945-99,581,970 gives the same sequence; the c. name uses the placement nearest the transcript's 3' end. VCF-style (leftmost placement, unchanged base first): chr4-99581944-ACAAGCTCACGTACTCCACTGAAGTT-A. GRCh37 (hg19) VCF-style: chr4-100503101-ACAAGCTCACGTACTCCACTGAAGTT-A.
Other names: c.103_127del, p.Lys35fs (NM_000253.4); c.-147_-123del (NM_001300785.2); short protein forms K35fs.
Identifiers: ClinVar variation 2418922 (VCV002418922.5), dbSNP rs2476086722, ClinGen allele CA2580071884.
Genomic context (GRCh38, chr4:99,581,944, plus strand): 5'-TGTGTCATTATCTTTATGCAGGTCACACAACTGGTCTCTCATTAAATAATGACCGGCTGT[ACAAGCTCACGTACTCCACTGAAGTT>A]CTTCTTGATCGGGGCAAAGGAAAACTGCAAGACAGCGTGGGCTACCGCATTTCCTCCAAC-3'

ClinVar aggregate classification (germline): Pathogenic (1 of 4 stars; one submission).

Submission:

Labcorp Genetics (formerly Invitae), Labcorp
Classification: Pathogenic. Last evaluated: 2022-06-10. Review status: criteria provided, single submitter. Criteria: Invitae Variant Classification Sherloc (09022015). Collection method: clinical testing. Allele origin: germline.
Comment: For these reasons, this variant has been classified as Pathogenic. This premature translational stop signal has been observed in individual(s) with abetalipoproteinemia (PMID: 25108285). This variant is not present in population databases (gnomAD no frequency). This sequence change creates a premature translational stop signal (p.Lys35Phefs*37) in the MTTP gene. It is expected to result in an absent or disrupted protein product. Loss-of-function variants in MTTP are known to be pathogenic (PMID: 8533758, 9671739).

Literature cited by the submitters: PubMed 25108285; PubMed 8533758; PubMed 9671739.